The following is an entry in ClinVar:

ClinVar aggregate classification (germline): Uncertain significance (1 of 4 stars; one submission).

Conditions:
Ataxia-telangiectasia syndrome (AT). Also called: Cerebello-oculocutaneous telangiectasia; Immunodeficiency with ataxia telangiectasia; LOUIS-BAR SYNDROME; ATAXIA-TELANGIECTASIA, COMPLEMENTATION GROUP A; ATAXIA-TELANGIECTASIA, FRESNO VARIANT; Ataxia-telangiectasia, complementation group D. Identifiers: Orphanet 100, MedGen C0004135, MONDO:0008840, OMIM 208900.

Allele frequency attached by ClinVar (database versions not stated): gnomAD exomes below 0.00001.
gnomAD v4.1: 1 of 1,610,054 alleles (0.000062%); highest among the groups gnomAD compares: Non-Finnish European, 0.000085%; no homozygotes.

Submission:

Labcorp Genetics (formerly Invitae), Labcorp
Classification: Uncertain significance for Ataxia-telangiectasia syndrome. Last evaluated: 2021-09-25. Review status: criteria provided, single submitter. Criteria: Invitae Variant Classification Sherloc (09022015). Collection method: clinical testing. Allele origin: germline.
Comment: In summary, the available evidence is currently insufficient to determine the role of this variant in disease. Therefore, it has been classified as a Variant of Uncertain Significance. Advanced modeling of protein sequence and biophysical properties (such as structural, functional, and spatial information, amino acid conservation, physicochemical variation, residue mobility, and thermodynamic stability) performed at Invitae indicates that this missense variant is not expected to disrupt ATM protein function. This variant has not been reported in the literature in individuals affected with ATM-related conditions. This variant is not present in population databases (ExAC no frequency). This sequence change replaces leucine with arginine at codon 721 of the ATM protein (p.Leu721Arg). The leucine residue is moderately conserved and there is a moderate physicochemical difference between leucine and arginine.

NM_000051.4(ATM):c.2162T>G (p.Leu721Arg)

Gene: ATM (ATM serine/threonine kinase; plus strand). Cytogenetic location: 11q22.3.
Variant type: single nucleotide variant.
Coding change: c.2162T>G on transcript NM_000051.4 (MANE Select); coding-DNA position 2162, T replaced by G.
Protein change: p.Leu721Arg; replaces leucine 721 with arginine.
Molecular consequence: missense variant.
Genome position (GRCh38, 1-based): chr11:108,256,252, T>G. VCF-style: chr11-108256252-T-G. GRCh37 (hg19) VCF-style: chr11-108126979-T-G.
Other names: c.2162T>G, p.Leu721Arg (NM_001351834.2); short protein forms L721R.
Identifiers: ClinVar variation 1383065 (VCV001383065.6), dbSNP rs2080475582, ClinGen allele CA382538769.